The following is an entry in ClinVar:

NM_145331.3(MAP3K7):c.1653T>G (p.Val551=)

Gene: MAP3K7 (mitogen-activated protein kinase kinase kinase 7; minus strand). Cytogenetic location: 6q15.
Variant type: single nucleotide variant.
Coding change: c.1653T>G on transcript NM_145331.3 (MANE Select); coding-DNA position 1653, T replaced by G.
Protein change: p.Val551=; no amino-acid change (valine 551 retained).
Molecular consequence: synonymous variant. On other transcripts: missense variant (2).
Genome position (GRCh38, 1-based): chr6:90,516,669, A>C on the plus strand (T>G on the coding strand, the complement: MAP3K7 is on the minus strand). VCF-style: chr6-90516669-A-C. GRCh37 (hg19) VCF-style: chr6-91226388-A-C.
Other names: c.1537T>G (NM_145332.2); c.1572T>G, p.Val524= (NM_003188.4); c.1537T>G, p.Cys513Gly (NM_145332.3); c.1456T>G, p.Cys486Gly (NM_145333.3); short protein forms C513G, C486G.
Identifiers: ClinVar variation 4751643 (VCV004751643.2).

ClinVar aggregate classification (germline): Conflicting classifications of pathogenicity. Review status: criteria provided, conflicting classifications (1 of 4 stars). 2 submissions from 2 submitters: Uncertain significance (1); Likely benign (1). Last evaluated 2025-07-03.

Conditions:
MAP3K7-related disorder.

gnomAD v4.1: 8 of 1,600,238 alleles (0.0005%); highest among the groups gnomAD compares: Non-Finnish European, 0.00068%; no homozygotes.

Submissions (2):

PreventionGenetics, part of Exact Sciences
Classification: Uncertain significance for MAP3K7-related condition. Last evaluated: 2025-07-03. Review status: criteria provided, single submitter. Criteria: ACMG Guidelines, 2015. Collection method: clinical testing. Allele origin: germline.
Comment: The MAP3K7 c.1537T>G variant is predicted to result in the amino acid substitution p.Cys513Gly. To our knowledge, this variant has not been reported in the literature or in a large population database (gnomAD), indicating this variant is rare. At this time, the clinical significance of this variant is uncertain due to the absence of conclusive functional and genetic evidence.

Labcorp Genetics (formerly Invitae), Labcorp
Classification: Likely benign. Last evaluated: 2025-04-28. Review status: criteria provided, single submitter. Criteria: Invitae Variant Classification Sherloc (09022015). Collection method: clinical testing. Allele origin: germline.